The following is an entry in ClinVar:

NM_000095.3(COMP):c.1211G>A (p.Gly404Glu)

Gene: COMP (cartilage oligomeric matrix protein; minus strand). Cytogenetic location: 19p13.11.
Variant type: single nucleotide variant.
Coding change: c.1211G>A on transcript NM_000095.3 (MANE Select); coding-DNA position 1211, G replaced by A.
Protein change: p.Gly404Glu; replaces glycine 404 with glutamic acid.
Molecular consequence: missense variant.
Genome position (GRCh38, 1-based): chr19:18,786,575, C>T on the plus strand (G>A on the coding strand, the complement: COMP is on the minus strand). VCF-style: chr19-18786575-C-T. GRCh37 (hg19) VCF-style: chr19-18897385-C-T.
Other names: short protein forms G404E.
Identifiers: ClinVar variation 2710397 (VCV002710397.3), dbSNP rs2055168895, ClinGen allele CA404886556.

ClinVar aggregate classification (germline): Uncertain significance (1 of 4 stars; one submission).

Submission:

Labcorp Genetics (formerly Invitae), Labcorp
Classification: Uncertain significance. Last evaluated: 2024-05-26. Review status: criteria provided, single submitter. Criteria: Invitae Variant Classification Sherloc (09022015). Collection method: clinical testing. Allele origin: germline.
Comment: This sequence change replaces glycine, which is neutral and non-polar, with glutamic acid, which is acidic and polar, at codon 404 of the COMP protein (p.Gly404Glu). This variant is not present in population databases (gnomAD no frequency). This variant has not been reported in the literature in individuals affected with COMP-related conditions. Advanced modeling of protein sequence and biophysical properties (such as structural, functional, and spatial information, amino acid conservation, physicochemical variation, residue mobility, and thermodynamic stability) performed at Invitae indicates that this missense variant is expected to disrupt COMP protein function with a positive predictive value of 80%. In summary, the available evidence is currently insufficient to determine the role of this variant in disease. Therefore, it has been classified as a Variant of Uncertain Significance.